The following is an entry in ClinVar:

ClinVar aggregate classification (germline): Uncertain significance (1 of 4 stars; one submission).

gnomAD v4.1: 7 of 1,612,258 alleles (0.00043%); highest among the groups gnomAD compares: African/African-American, 0.0013%; no homozygotes.

Submission:

Labcorp Genetics (formerly Invitae), Labcorp
Classification: Uncertain significance. Last evaluated: 2024-11-03. Review status: criteria provided, single submitter. Criteria: Invitae Variant Classification Sherloc (09022015). Collection method: clinical testing. Allele origin: germline.
Comment: This sequence change falls in intron 22 of the STAT4 gene. It does not directly change the encoded amino acid sequence of the STAT4 protein. This variant is present in population databases (no rsID available, gnomAD 0.007%). This variant has not been reported in the literature in individuals affected with STAT4-related conditions. Algorithms developed to predict the effect of sequence changes on RNA splicing suggest that this variant may disrupt the consensus splice site. In summary, the available evidence is currently insufficient to determine the role of this variant in disease. Therefore, it has been classified as a Variant of Uncertain Significance.

NM_003151.4(STAT4):c.2112-13T>C

Genes: STAT4 (signal transducer and activator of transcription 4; minus strand), STAT4-AS1 (STAT4 antisense RNA 1; plus strand). Cytogenetic location: 2q32.2.
Variant type: single nucleotide variant.
Coding change: c.2112-13T>C on transcript NM_003151.4 (MANE Select); 13 bases into the intron before coding-DNA position 2112, T replaced by C.
Molecular consequence: intron variant. On other transcripts: non-coding transcript variant (1).
Genome position (GRCh38, 1-based): chr2:191,031,093, A>G on the plus strand (T>C on the coding strand, the complement: STAT4 is on the minus strand). VCF-style: chr2-191031093-A-G. GRCh37 (hg19) VCF-style: chr2-191895819-A-G.
Other names: c.2112-13T>C (NM_001243835.2).
Identifiers: ClinVar variation 3616288 (VCV003616288.2).
Genomic context (GRCh38, chr2:191,031,093, plus strand): 5'-ATGGGAAGAAGGTCTGATGGAGAATGTGGCTCTGTTGAATCACTTCGGCTTAAAGAGATA[A>G]CAAGGTCAATATGGACAAGGATTAAAAAATAATAATAGTTCACGGTGACTTACTATGTCA-3'